The following is an entry in ClinVar:

ClinVar aggregate classification (germline): Uncertain significance. Review status: criteria provided, single submitter (1 of 4 stars). 2 submissions from 2 submitters: Uncertain significance (1). 1 of the submissions does not count toward it. Last evaluated 2024-10-09.

Conditions:
Autism (AUTS). Also called: Autistic disorder; Autistic disorder of childhood onset. Identifiers: MedGen C0004352, MeSH D001321, MONDO:0005260, OMIM 209850, HP:0000717.
Microtia. Identifiers: MedGen C0152423, HP:0008551, MONDO:0010920.

Allele frequency attached by ClinVar (database versions not stated): gnomAD exomes 0.00001; TOPMed 0.00001; gnomAD 0.00002; ExAC 0.00004; ESP Exome Variant Server 0.00009.
gnomAD v4.1: 9 of 1,205,870 alleles (0.00075%); highest among the groups gnomAD compares: African/African-American, 0.0052%; no homozygotes.

Submissions (2):

Ambry Genetics
Classification: Uncertain significance. Last evaluated: 2024-10-09. Review status: criteria provided, single submitter. Criteria: Ambry Variant Classification Scheme 2023. Collection method: clinical testing. Allele origin: germline.

Division of Human Genetics, Children's Hospital of Philadelphia
Classification: Uncertain significance for Autism; Microtia. Last evaluated: 2016-08-22. Review status: no assertion criteria provided. Collection method: research. Allele origin: maternal. Affected: yes. Study: CSER-PediSeq. Not counted in ClinVar's aggregate classification.
Comment: Observed autism and left ear microtia with hearing loss

NM_017514.5(PLXNA3):c.214G>A (p.Glu72Lys)

Gene: PLXNA3 (plexin A3; plus strand). Cytogenetic location: Xq28.
Variant type: single nucleotide variant.
Coding change: c.214G>A on transcript NM_017514.5 (MANE Select); coding-DNA position 214, G replaced by A.
Protein change: p.Glu72Lys; replaces glutamic acid 72 with lysine.
Molecular consequence: missense variant.
Genome position (GRCh38, 1-based): chrX:154,460,397, G>A. VCF-style: chrX-154460397-G-A. GRCh37 (hg19) VCF-style: chrX-153688737-G-A.
Other names: short protein forms E72K.
Identifiers: ClinVar variation 417914 (VCV000417914.3), dbSNP rs149367480, ClinGen allele CA10563627.
Genomic context (GRCh38, chrX:154,460,397, plus strand): 5'-CGAGTCTTTAAGCTGGCCCCCAACCTGACTGAGCTGCGGGCCCATGTCACGGGGCCCGTC[G>A]AGGACAACGCTCGCTGCTACCCGCCCCCCAGCATGCGCGTGTGTGCCCACCGCCTGGCCC-3'
Protein context (NP_059984.3, residues 62-82): ELRAHVTGPV[Glu72Lys]DNARCYPPPS